The following is an entry in ClinVar:

ClinVar aggregate classification (germline): Uncertain significance. Review status: criteria provided, multiple submitters, no conflicts (2 of 4 stars). 4 submissions from 4 submitters: Uncertain significance (3). 1 of the submissions does not count toward it. Last evaluated 2024-09-06.

Conditions:
Hereditary cancer-predisposing syndrome. Also called: Tumor predisposition; Hereditary neoplastic syndrome; Neoplastic Syndromes, Hereditary; Hereditary Cancer Syndrome. Identifiers: Orphanet 140162, MedGen C0027672, MeSH D009386, MONDO:0015356.
Fanconi anemia complementation group J. Also called: BRIP1-Related Fanconi Anemia. Identifiers: Orphanet 84, MedGen C1836860, MONDO:0012187, OMIM 609054.
Familial cancer of breast. Also called: BREAST CANCER, FAMILIAL; hereditary breast carcinoma; Hereditary breast cancer. Identifiers: Orphanet 227535, MedGen C0346153, MONDO:0016419, OMIM 114480. Disease mechanism: loss of function.

Allele frequency attached by ClinVar (database versions not stated): gnomAD exomes below 0.00001.
gnomAD v4.1: 5 of 1,613,714 alleles (0.00031%); highest among the groups gnomAD compares: Non-Finnish European, 0.00034%; no homozygotes.

Submissions (4):

Ambry Genetics
Classification: Uncertain significance for Hereditary cancer-predisposing syndrome. Last evaluated: 2024-09-06. Review status: criteria provided, single submitter. Criteria: Ambry Variant Classification Scheme 2023. Collection method: clinical testing. Allele origin: germline.
Comment: The p.I430V variant (also known as c.1288A>G), located in coding exon 8 of the BRIP1 gene, results from an A to G substitution at nucleotide position 1288. The isoleucine at codon 430 is replaced by valine, an amino acid with highly similar properties. This amino acid position is highly conserved in available vertebrate species. In addition, this alteration is predicted to be tolerated by in silico analysis. Based on the available evidence, the clinical significance of this variant remains unclear.

Labcorp Genetics (formerly Invitae), Labcorp
Classification: Uncertain significance for Familial cancer of breast; Fanconi anemia complementation group J. Last evaluated: 2024-07-13. Review status: criteria provided, single submitter. Criteria: Invitae Variant Classification Sherloc (09022015). Collection method: clinical testing. Allele origin: germline.
Comment: This sequence change replaces isoleucine, which is neutral and non-polar, with valine, which is neutral and non-polar, at codon 430 of the BRIP1 protein (p.Ile430Val). This variant is not present in population databases (gnomAD no frequency). This variant has not been reported in the literature in individuals affected with BRIP1-related conditions. ClinVar contains an entry for this variant (Variation ID: 929536). Advanced modeling of protein sequence and biophysical properties (such as structural, functional, and spatial information, amino acid conservation, physicochemical variation, residue mobility, and thermodynamic stability) performed at Invitae indicates that this missense variant is not expected to disrupt BRIP1 protein function with a negative predictive value of 80%. Algorithms developed to predict the effect of sequence changes on RNA splicing suggest that this variant may create or strengthen a splice site. In summary, the available evidence is currently insufficient to determine the role of this variant in disease. Therefore, it has been classified as a Variant of Uncertain Significance.

Color Diagnostics, LLC DBA Color Health
Classification: Uncertain significance for Hereditary cancer-predisposing syndrome. Last evaluated: 2024-02-13. Review status: criteria provided, single submitter. Criteria: ACMG Guidelines, 2015. Collection method: clinical testing. Allele origin: germline.
Comment: This missense variant replaces isoleucine with valine at codon 430 of the BRIP1 protein. Computational prediction suggests that this variant may not impact protein structure and function. Splice site prediction tools suggest that this variant may impact RNA splicing. To our knowledge, functional studies have not been reported for this variant. This variant has not been reported in individuals affected with BRIP1-related disorders in the literature. This variant has not been identified in the general population by the Genome Aggregation Database (gnomAD). The available evidence is insufficient to determine the role of this variant in disease conclusively. Therefore, this variant is classified as a Variant of Uncertain Significance.

Leiden Open Variation Database
Classification: Uncertain significance. Last evaluated: 2019-08-13. Review status: no assertion criteria provided. Collection method: curation. Allele origin: germline. Affected: yes. Not counted in ClinVar's aggregate classification.
Comment: Curator: Arleen D. Auerbach. Submitter to LOVD: Yukihide Momozawa.

Literature cited by the submitters: PubMed 31214711 (cited by Ambry Genetics and Leiden Open Variation Database).

NM_032043.3(BRIP1):c.1288A>G (p.Ile430Val)

Gene: BRIP1 (BRCA1 interacting DNA helicase 1; minus strand). Cytogenetic location: 17q23.2.
Variant type: single nucleotide variant.
Coding change: c.1288A>G on transcript NM_032043.3 (MANE Select); coding-DNA position 1288, A replaced by G.
Protein change: p.Ile430Val; replaces isoleucine 430 with valine.
Molecular consequence: missense variant.
Genome position (GRCh38, 1-based): chr17:61,799,152, T>C on the plus strand (A>G on the coding strand, the complement: BRIP1 is on the minus strand). VCF-style: chr17-61799152-T-C. GRCh37 (hg19) VCF-style: chr17-59876513-T-C.
Other names: short protein forms I430V.
Identifiers: ClinVar variation 929536 (VCV000929536.16), dbSNP rs1567829158, ClinGen allele CA400483518.